The following is an entry in ClinVar:

ClinVar aggregate classification (germline): Uncertain significance (1 of 4 stars; one submission).

Conditions:
Cardiovascular phenotype. Identifiers: MedGen CN230736.

Allele frequency attached by ClinVar (database versions not stated): gnomAD exomes below 0.00001; gnomAD 0.00001.
gnomAD v4.1: 3 of 1,612,394 alleles (0.00019%); highest among the groups gnomAD compares: South Asian, 0.0033%; no homozygotes.

Submission:

Ambry Genetics
Classification: Uncertain significance for Cardiovascular phenotype. Last evaluated: 2022-04-03. Review status: criteria provided, single submitter. Criteria: Ambry Variant Classification Scheme 2023. Collection method: clinical testing. Allele origin: germline.
Comment: The p.G245S variant (also known as c.733G>A), located in coding exon 6 of the TRPM4 gene, results from a G to A substitution at nucleotide position 733. The glycine at codon 245 is replaced by serine, an amino acid with similar properties. This amino acid position is conserved. In addition, this alteration is predicted to be tolerated by in silico analysis. Since supporting evidence is limited at this time, the clinical significance of this alteration remains unclear.

NM_017636.4(TRPM4):c.733G>A (p.Gly245Ser)

Gene: TRPM4 (transient receptor potential cation channel subfamily M member 4; plus strand). Cytogenetic location: 19q13.33.
Variant type: single nucleotide variant.
Coding change: c.733G>A on transcript NM_017636.4 (MANE Select); coding-DNA position 733, G replaced by A.
Protein change: p.Gly245Ser; replaces glycine 245 with serine.
Molecular consequence: missense variant. On other transcripts: 5 prime UTR variant (2).
Genome position (GRCh38, 1-based): chr19:49,168,673, G>A. VCF-style: chr19-49168673-G-A. GRCh37 (hg19) VCF-style: chr19-49671930-G-A.
Other names: c.733G>A, p.Gly245Ser (NM_001195227.2); c.388G>A, p.Gly130Ser (NM_001321281.2); c.-821G>A (NM_001321282.2); c.211G>A, p.Gly71Ser (NM_001321283.2); c.-117G>A (NM_001321285.2); short protein forms G130S, G245S, G71S.
Identifiers: ClinVar variation 1758403 (VCV001758403.2), dbSNP rs1296582245, ClinGen allele CA406792685.